The following is an entry in ClinVar:

NM_006612.6(KIF1C):c.608G>A (p.Arg203Gln)

Gene: KIF1C (kinesin family member 1C; plus strand). Cytogenetic location: 17p13.2.
Variant type: single nucleotide variant.
Coding change: c.608G>A on transcript NM_006612.6 (MANE Select); coding-DNA position 608, G replaced by A.
Protein change: p.Arg203Gln; replaces arginine 203 with glutamine.
Molecular consequence: missense variant.
Genome position (GRCh38, 1-based): chr17:5,002,642, G>A. VCF-style: chr17-5002642-G-A. GRCh37 (hg19) VCF-style: chr17-4905937-G-A.
Other names: short protein forms R203Q.
Identifiers: ClinVar variation 2180543 (VCV002180543.5), dbSNP rs755749267, ClinGen allele CA8318602.
Genomic context (GRCh38, chr17:5,002,642, plus strand): 5'-AATTGGCTGTGACCTCCTACGCAGACATTGCTGACCTCATGGACTGTGGAAATAAAGCAC[G>A]GTGAGGCAGGCTGATGGAGCAGAGGGCAAGGGGGCCAGGGTTGGGAAGGTGAGAGGCAGG-3'
Protein context (NP_006603.2, residues 193-213): ADLMDCGNKA[Arg203Gln]TVAATNMNET

ClinVar aggregate classification (germline): Uncertain significance. Review status: criteria provided, multiple submitters, no conflicts (2 of 4 stars). 2 submissions from 2 submitters: Uncertain significance (2). Last evaluated 2023-10-19.

Conditions:
Spastic ataxia 2. Also called: Ataxia, spastic, 2, autosomal recessive. Identifiers: Orphanet 397946, MedGen C1969796, MONDO:0012651, OMIM 611302.

Allele frequency attached by ClinVar (database versions not stated): TOPMed below 0.00001; ExAC 0.00001; gnomAD exomes 0.00001.
gnomAD v4.1: 11 of 1,611,678 alleles (0.00068%); highest among the groups gnomAD compares: South Asian, 0.0022%; no homozygotes.

Submissions (2):

Blueprint Genetics
Classification: Uncertain significance. Last evaluated: 2023-10-19. Review status: criteria provided, single submitter. Criteria: ACMG Guidelines, 2015. Collection method: clinical testing. Allele origin: germline.

Labcorp Genetics (formerly Invitae), Labcorp
Classification: Uncertain significance for Spastic ataxia 2. Last evaluated: 2022-03-20. Review status: criteria provided, single submitter. Criteria: Invitae Variant Classification Sherloc (09022015). Collection method: clinical testing. Allele origin: germline.
Comment: This variant is present in population databases (rs755749267, gnomAD 0.003%). In summary, the available evidence is currently insufficient to determine the role of this variant in disease. Therefore, it has been classified as a Variant of Uncertain Significance. Variants that disrupt the consensus splice site are a relatively common cause of aberrant splicing (PMID: 17576681, 9536098). Algorithms developed to predict the effect of sequence changes on RNA splicing suggest that this variant may create or strengthen a splice site. Experimental studies have shown that this missense change affects KIF1C function (PMID: 30067756). Algorithms developed to predict the effect of missense changes on protein structure and function (SIFT, PolyPhen-2, Align-GVGD) all suggest that this variant is likely to be disruptive. This variant has not been reported in the literature in individuals affected with KIF1C-related conditions. This sequence change replaces arginine, which is basic and polar, with glutamine, which is neutral and polar, at codon 203 of the KIF1C protein (p.Arg203Gln). This variant also falls at the last nucleotide of exon 7, which is part of the consensus splice site for this exon.

Literature cited by the submitters: PubMed 17576681 (cited by Labcorp Genetics (formerly Invitae), Labcorp); PubMed 9536098 (cited by Labcorp Genetics (formerly Invitae), Labcorp); PubMed 30067756 (cited by Labcorp Genetics (formerly Invitae), Labcorp).